The following is an entry in ClinVar:

NM_000051.4(ATM):c.4422C>T (p.His1474=)

Gene: ATM (ATM serine/threonine kinase; plus strand). Cytogenetic location: 11q22.3.
Variant type: single nucleotide variant.
Coding change: c.4422C>T on transcript NM_000051.4 (MANE Select); coding-DNA position 4422, C replaced by T.
Protein change: p.His1474=; no amino-acid change (histidine 1474 retained).
Molecular consequence: synonymous variant.
Genome position (GRCh38, 1-based): chr11:108,289,787, C>T. VCF-style: chr11-108289787-C-T. GRCh37 (hg19) VCF-style: chr11-108160514-C-T.
Other names: c.4422C>T, p.His1474= (NM_001351834.2).
Identifiers: ClinVar variation 453520 (VCV000453520.11), dbSNP rs1555097849, ClinGen allele CA476674059.

ClinVar aggregate classification (germline): Benign/Likely benign. Review status: criteria provided, multiple submitters, no conflicts (2 of 4 stars). 3 submissions from 3 submitters: Benign (1); Likely benign (2). Last evaluated 2024-05-17.

Conditions:
Hereditary cancer-predisposing syndrome. Also called: Tumor predisposition; Hereditary Cancer Syndrome; Neoplastic Syndromes, Hereditary; Hereditary neoplastic syndrome. Identifiers: Orphanet 140162, MedGen C0027672, MeSH D009386, MONDO:0015356.
Familial cancer of breast. Also called: Hereditary breast cancer; hereditary breast carcinoma; BREAST CANCER, FAMILIAL. Identifiers: Orphanet 227535, MedGen C0346153, MONDO:0016419, OMIM 114480. Disease mechanism: loss of function.
Ataxia-telangiectasia syndrome (AT). Also called: Cerebello-oculocutaneous telangiectasia; Immunodeficiency with ataxia telangiectasia; Ataxia-telangiectasia, complementation group D; AT, COMPLEMENTATION GROUP C; Ataxia-telangiectasia, complementation group E; LOUIS-BAR SYNDROME. Identifiers: Orphanet 100, MedGen C0004135, MONDO:0008840, OMIM 208900.

Submissions (3):

Myriad Genetics, Inc.
Classification: Benign for Familial cancer of breast. Last evaluated: 2024-05-17. Review status: criteria provided, single submitter. Criteria: Myriad Autosomal Dominant, Autosomal Recessive and X-Linked Classification Criteria (2023). Collection method: clinical testing. Allele origin: unknown.
Comment: This variant is considered benign. This variant is a silent/synonymous amino acid change and it is not expected to impact splicing.

Labcorp Genetics (formerly Invitae), Labcorp
Classification: Likely benign for Ataxia-telangiectasia syndrome. Last evaluated: 2023-06-14. Review status: criteria provided, single submitter. Criteria: Invitae Variant Classification Sherloc (09022015). Collection method: clinical testing. Allele origin: germline.

Ambry Genetics
Classification: Likely benign for Hereditary cancer-predisposing syndrome. Last evaluated: 2022-09-08. Review status: criteria provided, single submitter. Criteria: Ambry Variant Classification Scheme 2023. Collection method: clinical testing. Allele origin: germline.